The following is an entry in ClinVar:

NM_020987.5(ANK3):c.5341T>C (p.Tyr1781His)

Gene: ANK3 (ankyrin 3; minus strand). Cytogenetic location: 10q21.2.
Variant type: single nucleotide variant.
Coding change: c.5341T>C on transcript NM_020987.5 (MANE Select); coding-DNA position 5341, T replaced by C.
Protein change: p.Tyr1781His; replaces tyrosine 1781 with histidine.
Molecular consequence: missense variant. On other transcripts: intron variant (4).
Genome position (GRCh38, 1-based): chr10:60,075,540, A>G on the plus strand (T>C on the coding strand, the complement: ANK3 is on the minus strand). VCF-style: chr10-60075540-A-G. GRCh37 (hg19) VCF-style: chr10-61835298-A-G.
Other names: c.4387+4997T>C (NM_001204403.2); c.4408+4997T>C (NM_001204404.2); c.4405+4997T>C (NM_001320874.2); c.1807+4997T>C (NM_001149.4); c.5341T>C (NM_020987.3); short protein forms Y1781H.
Identifiers: ClinVar variation 1463662 (VCV001463662.10), dbSNP rs752017482, ClinGen allele CA5512029.
Genomic context (GRCh38, chr10:60,075,540, plus strand): 5'-AGAGTGCACTTGCGGAAGGAGTTCTTAGAGACTGAAAAGCTGATGGTGCTGCAGAAACAT[A>G]TGACCTGAGTGGGGAAAATGGCATTGCAGTCGTGGTAGAAAACACTTTCTCAACTGTGTC-3'
Protein context (NP_066267.2, residues 1771-1791): TAMPFSPLRS[Tyr1781His]VSAAPSAFQS

ClinVar aggregate classification (germline): Conflicting classifications of pathogenicity. Review status: criteria provided, conflicting classifications (1 of 4 stars). 2 submissions from 2 submitters: Uncertain significance (1); Likely benign (1). Last evaluated 2024-10-29.

Conditions:
Inborn genetic diseases. Identifiers: MedGen C0950123, MeSH D030342.

Allele frequency attached by ClinVar (database versions not stated): gnomAD 0.00001 and 0.00002; gnomAD exomes 0.00001 and 0.00004; ExAC 0.00003; TOPMed 0.00009.
gnomAD v4.1: 42 of 1,613,884 alleles (0.0026%); highest among the groups gnomAD compares: East Asian, 0.025%; no homozygotes.

Submissions (2):

Labcorp Genetics (formerly Invitae), Labcorp
Classification: Uncertain significance. Last evaluated: 2024-10-29. Review status: criteria provided, single submitter. Criteria: Invitae Variant Classification Sherloc (09022015). Collection method: clinical testing. Allele origin: germline.
Comment: This sequence change replaces tyrosine, which is neutral and polar, with histidine, which is basic and polar, at codon 1781 of the ANK3 protein (p.Tyr1781His). This variant is present in population databases (rs752017482, gnomAD 0.06%). This variant has not been reported in the literature in individuals affected with ANK3-related conditions. ClinVar contains an entry for this variant (Variation ID: 1463662). Invitae Evidence Modeling of protein sequence and biophysical properties (such as structural, functional, and spatial information, amino acid conservation, physicochemical variation, residue mobility, and thermodynamic stability) indicates that this missense variant is not expected to disrupt ANK3 protein function with a negative predictive value of 80%. In summary, the available evidence is currently insufficient to determine the role of this variant in disease. Therefore, it has been classified as a Variant of Uncertain Significance.

Ambry Genetics
Classification: Likely benign for Inborn genetic diseases. Last evaluated: 2023-02-07. Review status: criteria provided, single submitter. Criteria: Ambry Variant Classification Scheme 2023. Collection method: clinical testing. Allele origin: germline.